The following is an entry in ClinVar:

NM_014714.4(IFT140):c.752A>G (p.Asn251Ser)

Genes: IFT140 (intraflagellar transport 140; minus strand), LOC105371046 (uncharacterized LOC105371046; plus strand). Cytogenetic location: 16p13.3.
Variant type: single nucleotide variant.
Coding change: c.752A>G on transcript NM_014714.4 (MANE Select); coding-DNA position 752, A replaced by G.
Protein change: p.Asn251Ser; replaces asparagine 251 with serine.
Molecular consequence: missense variant.
Genome position (GRCh38, 1-based): chr16:1,589,663, T>C on the plus strand (A>G on the coding strand, the complement: IFT140 is on the minus strand). VCF-style: chr16-1589663-T-C. GRCh37 (hg19) VCF-style: chr16-1639664-T-C.
Other names: short protein forms N251S.
Identifiers: ClinVar variation 1025953 (VCV001025953.10), dbSNP rs1277927981, ClinGen allele CA394218385.

ClinVar aggregate classification (germline): Uncertain significance (1 of 4 stars; one submission).

Conditions:
Saldino-Mainzer syndrome (SRTD9). Also called: CONORENAL SYNDROME; Renal dysplasia, retinal pigmentary dystrophy, cerebellar ataxia and skeletal dysplasia; short-rib thoracic dysplasia 9 with or without polydactyly; SHORT-RIB THORACIC DYSPLASIA 9 WITHOUT POLYDACTYLY. Identifiers: Orphanet 140969, MedGen C1849437, MONDO:0009964, OMIM 266920.

Allele frequency attached by ClinVar (database versions not stated): TOPMed below 0.00001; gnomAD exomes 0.00001.
gnomAD v4.1: 9 of 1,613,866 alleles (0.00056%); highest among the groups gnomAD compares: South Asian, 0.0088%; no homozygotes.

Submission:

Labcorp Genetics (formerly Invitae), Labcorp
Classification: Uncertain significance for Saldino-Mainzer syndrome. Last evaluated: 2024-11-18. Review status: criteria provided, single submitter. Criteria: Invitae Variant Classification Sherloc (09022015). Collection method: clinical testing. Allele origin: germline.
Comment: This sequence change replaces asparagine, which is neutral and polar, with serine, which is neutral and polar, at codon 251 of the IFT140 protein (p.Asn251Ser). This variant is present in population databases (no rsID available, gnomAD 0.006%). This variant has not been reported in the literature in individuals affected with IFT140-related conditions. ClinVar contains an entry for this variant (Variation ID: 1025953). Invitae Evidence Modeling of protein sequence and biophysical properties (such as structural, functional, and spatial information, amino acid conservation, physicochemical variation, residue mobility, and thermodynamic stability) indicates that this missense variant is not expected to disrupt IFT140 protein function with a negative predictive value of 95%. In summary, the available evidence is currently insufficient to determine the role of this variant in disease. Therefore, it has been classified as a Variant of Uncertain Significance.